The following is an entry in ClinVar:

NM_018489.3(ASH1L):c.3190T>G (p.Ser1064Ala)

Gene: ASH1L (ASH1 like histone lysine methyltransferase; minus strand). Cytogenetic location: 1q22.
Variant type: single nucleotide variant.
Coding change: c.3190T>G on transcript NM_018489.3 (MANE Select); coding-DNA position 3190, T replaced by G.
Protein change: p.Ser1064Ala; replaces serine 1064 with alanine.
Molecular consequence: missense variant.
Genome position (GRCh38, 1-based): chr1:155,479,680, A>C on the plus strand (T>G on the coding strand, the complement: ASH1L is on the minus strand). VCF-style: chr1-155479680-A-C. GRCh37 (hg19) VCF-style: chr1-155449471-A-C.
Other names: c.3190T>G, p.Ser1064Ala (NM_001366177.2); short protein forms S1064A.
Identifiers: ClinVar variation 1698318 (VCV001698318.2), dbSNP rs2148724338, ClinGen allele CA342713955.

ClinVar aggregate classification (germline): Uncertain significance (1 of 4 stars; one submission).

Submission:

GeneDx
Classification: Uncertain significance. Last evaluated: 2022-01-24. Review status: criteria provided, single submitter. Criteria: GeneDx Variant Classification Process June 2021. Collection method: clinical testing. Allele origin: germline. Affected: yes.
Comment: Not observed at significant frequency in large population cohorts (gnomAD); In silico analysis supports that this missense variant does not alter protein structure/function; Has not been previously published as pathogenic or benign to our knowledge